The following is an entry in ClinVar:

ClinVar aggregate classification (germline): Uncertain significance. Review status: criteria provided, multiple submitters, no conflicts (2 of 4 stars). 2 submissions from 2 submitters: Uncertain significance (2). Last evaluated 2023-04-10.

Conditions:
Spinocerebellar ataxia 47 (NEDMSF). Also called: PADDAS SYNDROME; neurodevelopmental disorder with motor abnormalities, seizures, and facial dysmorphism. Identifiers: Orphanet 642747, MedGen C4693672, MONDO:0033482, OMIM 620719.

gnomAD v4.1: 2 of 1,614,206 alleles (0.00012%); no homozygotes.

Submissions (2):

Baylor Genetics
Classification: Uncertain significance. Last evaluated: 2023-04-10. Review status: criteria provided, single submitter. Criteria: ACMG Guidelines, 2015. Collection method: clinical testing. Allele origin: unknown.

GeneDx
Classification: Uncertain significance. Last evaluated: 2020-02-21. Review status: criteria provided, single submitter. Criteria: GeneDx Variant Classification Process June 2021. Collection method: clinical testing. Allele origin: germline. Affected: yes.
Comment: Not observed in large population cohorts (Lek et al., 2016); In silico analysis supports that this missense variant does not alter protein structure/function; Has not been previously published as pathogenic or benign to our knowledge

NM_001020658.2(PUM1):c.949A>C (p.Asn317His)

Gene: PUM1 (pumilio RNA binding family member 1; minus strand). Cytogenetic location: 1p35.2.
Variant type: single nucleotide variant.
Coding change: c.949A>C on transcript NM_001020658.2 (MANE Select); coding-DNA position 949, A replaced by C.
Protein change: p.Asn317His; replaces asparagine 317 with histidine.
Molecular consequence: missense variant.
Genome position (GRCh38, 1-based): chr1:30,992,599, T>G on the plus strand (A>C on the coding strand, the complement: PUM1 is on the minus strand). VCF-style: chr1-30992599-T-G. GRCh37 (hg19) VCF-style: chr1-31465446-T-G.
Other names: c.949A>C, p.Asn317His (NM_014676.3); short protein forms N317H.
Identifiers: ClinVar variation 1315242 (VCV001315242.3), dbSNP rs2124486243, ClinGen allele CA339569290.